The following is an entry in ClinVar:

ClinVar aggregate classification (germline): Uncertain significance (1 of 4 stars; one submission).

Conditions:
Hereditary cancer-predisposing syndrome. Also called: Hereditary Cancer Syndrome; Neoplastic Syndromes, Hereditary; Tumor predisposition; Hereditary neoplastic syndrome. Identifiers: Orphanet 140162, MedGen C0027672, MeSH D009386, MONDO:0015356.

Submission:

Ambry Genetics
Classification: Uncertain significance for Hereditary cancer-predisposing syndrome. Last evaluated: 2023-12-28. Review status: criteria provided, single submitter. Criteria: Ambry Variant Classification Scheme 2023. Collection method: clinical testing. Allele origin: germline.
Comment: The p.N175S variant (also known as c.524A>G), located in coding exon 3 of the SMARCA4 gene, results from an A to G substitution at nucleotide position 524. The asparagine at codon 175 is replaced by serine, an amino acid with highly similar properties. This amino acid position is not well conserved in available vertebrate species. In addition, this alteration is predicted to be tolerated by in silico analysis. Missense and in-frame variants in SMARCA4 are known to cause neurodevelopmental disorders; however, such associations with rhabdoid tumor predisposition syndrome including small cell carcinoma of the ovary-hypercalcemic type (SCCOHT) are exceedingly rare (Kosho T et al. Am J Med Genet C Semin Med Genet. 2014 Sep;166C(3):262-75; Jelinic P et al. Nat Genet. 2014 May;46(5):424-6). Based on the supporting evidence, the association of this alteration with Coffin-Siris syndrome is unknown; however, the association of this alteration with rhabdoid tumor predisposition syndrome is unlikely.

NM_003072.5(SMARCA4):c.524A>G (p.Asn175Ser)

Gene: SMARCA4 (SWI/SNF related BAF chromatin remodeling complex subunit ATPase 4; plus strand). Cytogenetic location: 19p13.2.
Variant type: single nucleotide variant.
Coding change: c.524A>G on transcript NM_003072.5 (MANE Select); coding-DNA position 524, A replaced by G.
Protein change: p.Asn175Ser; replaces asparagine 175 with serine.
Molecular consequence: missense variant. On other transcripts: non-coding transcript variant (1).
Genome position (GRCh38, 1-based): chr19:10,986,357, A>G. VCF-style: chr19-10986357-A-G. GRCh37 (hg19) VCF-style: chr19-11097033-A-G.
Other names: c.524A>G, p.Asn175Ser (NM_001128844.3, NM_001128845.2, NM_001128846.2 and 6 more transcripts); short protein forms N175S.
Identifiers: ClinVar variation 1746334 (VCV001746334.2), dbSNP rs2145777073, ClinGen allele CA404056247.
Genomic context (GRCh38, chr19:10,986,357, plus strand): 5'-ATGGTGCTGACCCCCAGGCCTTGGGGCAGCAGAACCGGGGCCCAACCCCATTTAACCAGA[A>G]CCAGCTGCACCAGCTCAGAGCTCAGATCATGGCCTACAAGATGCTGGCCAGGGGGCAGCC-3'
Protein context (NP_003063.2, residues 165-185): QNRGPTPFNQ[Asn175Ser]QLHQLRAQIM